The following is an entry in ClinVar:

NM_001256789.3(CACNA1F):c.3811G>A (p.Glu1271Lys)

Gene: CACNA1F (calcium voltage-gated channel subunit alpha1 F; minus strand). Cytogenetic location: Xp11.23.
Variant type: single nucleotide variant.
Coding change: c.3811G>A on transcript NM_001256789.3 (MANE Select); coding-DNA position 3811, G replaced by A.
Protein change: p.Glu1271Lys; replaces glutamic acid 1271 with lysine.
Molecular consequence: missense variant.
Genome position (GRCh38, 1-based): chrX:49,212,976, C>T on the plus strand (G>A on the coding strand, the complement: CACNA1F is on the minus strand). VCF-style: chrX-49212976-C-T. GRCh37 (hg19) VCF-style: chrX-49069436-C-T.
Other names: c.3649G>A, p.Glu1217Lys (NM_001256790.3); c.3844G>A, p.Glu1282Lys (NM_005183.4); short protein forms E1217K, E1271K, E1282K.
Identifiers: ClinVar variation 3715874 (VCV003715874.2).

ClinVar aggregate classification (germline): Uncertain significance (1 of 4 stars; one submission).

gnomAD v4.1: 5 of 1,202,147 alleles (0.00042%); highest among the groups gnomAD compares: East Asian, 0.003%; no homozygotes.

Submission:

Labcorp Genetics (formerly Invitae), Labcorp
Classification: Uncertain significance. Last evaluated: 2024-05-23. Review status: criteria provided, single submitter. Criteria: Invitae Variant Classification Sherloc (09022015). Collection method: clinical testing. Allele origin: germline.
Comment: This sequence change replaces glutamic acid, which is acidic and polar, with lysine, which is basic and polar, at codon 1282 of the CACNA1F protein (p.Glu1282Lys). The frequency data for this variant in the population databases is considered unreliable, as metrics indicate poor data quality at this position in the gnomAD database. This variant has not been reported in the literature in individuals affected with CACNA1F-related conditions. An algorithm developed to predict the effect of missense changes on protein structure and function (PolyPhen-2) suggests that this variant is likely to be disruptive. In summary, the available evidence is currently insufficient to determine the role of this variant in disease. Therefore, it has been classified as a Variant of Uncertain Significance.